The following is an entry in ClinVar:

NM_006031.6(PCNT):c.1229G>C (p.Ser410Thr)

Gene: PCNT (pericentrin; plus strand). Cytogenetic location: 21q22.3.
Variant type: single nucleotide variant.
Coding change: c.1229G>C on transcript NM_006031.6 (MANE Select); coding-DNA position 1229, G replaced by C.
Protein change: p.Ser410Thr; replaces serine 410 with threonine.
Molecular consequence: missense variant.
Genome position (GRCh38, 1-based): chr21:46,349,705, G>C. VCF-style: chr21-46349705-G-C. GRCh37 (hg19) VCF-style: chr21-47769619-G-C.
Other names: c.875G>C, p.Ser292Thr (NM_001315529.2); short protein forms S292T, S410T.
Identifiers: ClinVar variation 5000729 (VCV005000729.1).

ClinVar aggregate classification (germline): Uncertain significance (1 of 4 stars; one submission).

Conditions:
PCNT-related disorder. Also called: PCNT-related condition.

gnomAD v4.1: 1 of 1,613,964 alleles (0.000062%); highest among the groups gnomAD compares: Non-Finnish European, 0.000085%; no homozygotes.

Submission:

PreventionGenetics, part of Exact Sciences
Classification: Uncertain significance for PCNT-related condition. Last evaluated: 2025-07-30. Review status: criteria provided, single submitter. Criteria: ACMG Guidelines, 2015. Collection method: clinical testing. Allele origin: germline.
Comment: The PCNT c.1229G>C variant is predicted to result in the amino acid substitution p.Ser410Thr. To our knowledge, this variant has not been reported in the literature. This variant is reported in 0.0065% of alleles in individuals of European (Non-Finnish) descent in gnomAD. At this time, the clinical significance of this variant is uncertain due to the absence of conclusive functional and genetic evidence.